The following is an entry in ClinVar:

ClinVar aggregate classification (germline): Uncertain significance. Review status: criteria provided, multiple submitters, no conflicts (2 of 4 stars). 2 submissions from 2 submitters: Uncertain significance (2). Last evaluated 2023-06-29.

Conditions:
Hereditary nonpolyposis colorectal neoplasms. Identifiers: MedGen C0009405, MeSH D003123.
Hereditary cancer-predisposing syndrome. Also called: Hereditary neoplastic syndrome; Neoplastic Syndromes, Hereditary; Tumor predisposition; Hereditary Cancer Syndrome. Identifiers: Orphanet 140162, MedGen C0027672, MeSH D009386, MONDO:0015356.

Submissions (2):

Ambry Genetics
Classification: Uncertain significance for Hereditary cancer-predisposing syndrome. Last evaluated: 2023-06-29. Review status: criteria provided, single submitter. Criteria: Ambry Variant Classification Scheme 2023. Collection method: clinical testing. Allele origin: germline.
Comment: The p.L1353F variant (also known as c.4059G>C), located in coding exon 10 of the MSH6 gene, results from a G to C substitution at nucleotide position 4059. The leucine at codon 1353 is replaced by phenylalanine, an amino acid with highly similar properties. This amino acid position is conserved. In addition, the in silico prediction for this alteration is inconclusive. Since supporting evidence is limited at this time, the clinical significance of this alteration remains unclear.

Labcorp Genetics (formerly Invitae), Labcorp
Classification: Uncertain significance for Hereditary nonpolyposis colorectal neoplasms. Last evaluated: 2019-11-18. Review status: criteria provided, single submitter. Criteria: Invitae Variant Classification Sherloc (09022015). Collection method: clinical testing. Allele origin: germline.
Comment: In summary, the available evidence is currently insufficient to determine the role of this variant in disease. Therefore, it has been classified as a Variant of Uncertain Significance. Algorithms developed to predict the effect of missense changes on protein structure and function are either unavailable or do not agree on the potential impact of this missense change (SIFT: "Tolerated"; PolyPhen-2: "Probably Damaging"; Align-GVGD: "Class C0"). This variant has not been reported in the literature in individuals with MSH6-related conditions. This variant is not present in population databases (ExAC no frequency). This sequence change replaces leucine with phenylalanine at codon 1353 of the MSH6 protein (p.Leu1353Phe). The leucine residue is moderately conserved and there is a small physicochemical difference between leucine and phenylalanine.

NM_000179.3(MSH6):c.4059G>C (p.Leu1353Phe)

Gene: MSH6 (mutS homolog 6; plus strand). Cytogenetic location: 2p16.3.
Variant type: single nucleotide variant.
Coding change: c.4059G>C on transcript NM_000179.3 (MANE Select); coding-DNA position 4059, G replaced by C.
Protein change: p.Leu1353Phe; replaces leucine 1353 with phenylalanine.
Molecular consequence: missense variant.
Genome position (GRCh38, 1-based): chr2:47,806,836, G>C. VCF-style: chr2-47806836-G-C. GRCh37 (hg19) VCF-style: chr2-48033975-G-C.
Other names: c.3669G>C, p.Leu1223Phe (NM_001281492.2); c.3153G>C, p.Leu1051Phe (NM_001281493.2, NM_001281494.2); short protein forms L1051F, L1223F, L1353F.
Identifiers: ClinVar variation 835243 (VCV000835243.12), dbSNP rs1553334048, ClinGen allele CA346761734.